The following is an entry in ClinVar:

ClinVar aggregate classification (germline): Pathogenic (1 of 4 stars; one submission).

Submission:

GeneDx
Classification: Pathogenic. Last evaluated: 2024-03-26. Review status: criteria provided, single submitter. Criteria: GeneDx Variant Classification Process June 2021. Collection method: clinical testing. Allele origin: germline. Affected: yes.
Comment: Nonsense variant predicted to result in protein truncation or nonsense mediated decay in a gene for which loss of function is a known mechanism of disease; Not observed in large population cohorts (gnomAD); Has not been previously published as pathogenic or benign to our knowledge

NM_017780.4(CHD7):c.6454C>T (p.Gln2152Ter)

Gene: CHD7 (chromodomain helicase DNA binding protein 7; plus strand). Cytogenetic location: 8q12.2.
Variant type: single nucleotide variant.
Coding change: c.6454C>T on transcript NM_017780.4 (MANE Select); coding-DNA position 6454, C replaced by T.
Protein change: p.Gln2152Ter; replaces glutamine 2152 with a stop codon.
Molecular consequence: nonsense. On other transcripts: intron variant (1).
Genome position (GRCh38, 1-based): chr8:60,853,179, C>T. VCF-style: chr8-60853179-C-T. GRCh37 (hg19) VCF-style: chr8-61765738-C-T.
Other names: c.6454C>T (LRG_176t1); c.1717-9050C>T (NM_001316690.1); short protein forms Q2152*.
Identifiers: ClinVar variation 620332 (VCV000620332.3), dbSNP rs373241264, ClinGen allele CA371325277.